The following is an entry in ClinVar:

NM_000219.6(KCNE1):c.39G>T (p.Leu13=)

Gene: KCNE1 (potassium voltage-gated channel subfamily E regulatory subunit 1; minus strand). Cytogenetic location: 21q22.12.
Variant type: single nucleotide variant.
Coding change: c.39G>T on transcript NM_000219.6 (MANE Select); coding-DNA position 39, G replaced by T.
Protein change: p.Leu13=; no amino-acid change (leucine 13 retained).
Molecular consequence: synonymous variant.
Genome position (GRCh38, 1-based): chr21:34,449,596, C>A on the plus strand (G>T on the coding strand, the complement: KCNE1 is on the minus strand). VCF-style: chr21-34449596-C-A. GRCh37 (hg19) VCF-style: chr21-35821894-C-A.
Other names: c.39G>T, p.Leu13= (NM_001127668.4, NM_001127669.4, NM_001127670.4 and 4 more transcripts).
Identifiers: ClinVar variation 3373882 (VCV003373882.2).

Conditions:
Long QT syndrome 5 (LQT5). Identifiers: Orphanet 101016, Orphanet 768, MedGen C1867904, MONDO:0013372, OMIM 613695.

Submission:

Roden Lab, Vanderbilt University Medical Center
No classification provided (evidence only). Condition: Long QT syndrome 5. Review status: no classification provided. Collection method: in vitro. Allele origin: not applicable. Functional consequence: Effect on ion channel function.
ClinVar note: "not provided" was previously submitted as the classification for the variant. However, the classification appeared to be based only on an observation of functional data so it was converted to no classification on 2025-07-30.